The following is an entry in ClinVar:

ClinVar aggregate classification (germline): Likely benign. Review status: criteria provided, single submitter (1 of 4 stars). 2 submissions from 2 submitters: Likely benign (1). 1 of the submissions does not count toward it. Last evaluated 2024-05-29.

Conditions:
CREBBP-related disorder. Also called: CREBBP-related disorders; CREBBP-related condition.
Rubinstein-Taybi syndrome (RSTS). Identifiers: Orphanet 783, MedGen C0035934, MONDO:0019188.

Allele frequency attached by ClinVar (database versions not stated): TOPMed 0.00002; gnomAD 0.00003.
gnomAD v4.1: 110 of 1,614,100 alleles (0.0068%); highest among the groups gnomAD compares: Non-Finnish European, 0.0089%; no homozygotes.

Submissions (2):

Labcorp Genetics (formerly Invitae), Labcorp
Classification: Likely benign for Rubinstein-Taybi syndrome. Last evaluated: 2024-05-29. Review status: criteria provided, single submitter. Criteria: Invitae Variant Classification Sherloc (09022015). Collection method: clinical testing. Allele origin: germline.

PreventionGenetics, part of Exact Sciences
Classification: Likely benign for CREBBP-related condition. Last evaluated: 2024-09-01. Review status: no assertion criteria provided. Collection method: clinical testing. Allele origin: germline. Not counted in ClinVar's aggregate classification.
Comment: This variant is classified as likely benign based on ACMG/AMP sequence variant interpretation guidelines (Richards et al. 2015 PMID: 25741868, with internal and published modifications).

NM_004380.3(CREBBP):c.4560+7G>C

Gene: CREBBP (CREB binding lysine acetyltransferase; minus strand). Cytogenetic location: 16p13.3.
Variant type: single nucleotide variant.
Coding change: c.4560+7G>C on transcript NM_004380.3 (MANE Select); 7 bases into the intron after coding-DNA position 4560, G replaced by C.
Molecular consequence: intron variant.
Genome position (GRCh38, 1-based): chr16:3,736,643, C>G on the plus strand (G>C on the coding strand, the complement: CREBBP is on the minus strand). VCF-style: chr16-3736643-C-G. GRCh37 (hg19) VCF-style: chr16-3786644-C-G.
Other names: c.4446+7G>C (NM_001079846.1).
Identifiers: ClinVar variation 755803 (VCV000755803.7), dbSNP rs587783498, ClinGen allele CA7869508.
Genomic context (GRCh38, chr16:3,736,643, plus strand): 5'-AAAAGGCACACAAATATCCTCCCCTCAGTTGTGACAAAAGCCACCACCTTCCTTCAGCGC[C>G]GGGTACCTTGTAGTCATGGATGATCCGCTCTGCAAACGCCTTGTCCAGCATCTTTTTGTA-3'